The following is an entry in ClinVar:

ClinVar aggregate classification (germline): Conflicting classifications of pathogenicity. Review status: criteria provided, conflicting classifications (1 of 4 stars). 2 submissions from 2 submitters: Uncertain significance (1); Likely benign (1). Last evaluated 2024-10-21.

Conditions:
Hereditary cancer-predisposing syndrome. Also called: Tumor predisposition; Hereditary Cancer Syndrome; Neoplastic Syndromes, Hereditary; Hereditary neoplastic syndrome. Identifiers: Orphanet 140162, MedGen C0027672, MeSH D009386, MONDO:0015356.

Submissions (2):

Ambry Genetics
Classification: Uncertain significance for Hereditary cancer-predisposing syndrome. Last evaluated: 2024-10-21. Review status: criteria provided, single submitter. Criteria: Ambry Variant Classification Scheme 2023. Collection method: clinical testing. Allele origin: germline.
Comment: The p.A854P variant (also known as c.2560G>C), located in coding exon 9 of the BRCA1 gene, results from a G to C substitution at nucleotide position 2560. The alanine at codon 854 is replaced by proline, an amino acid with highly similar properties. This amino acid position is conserved. In addition, the in silico prediction for this alteration is inconclusive. Since supporting evidence is limited at this time, the clinical significance of this alteration remains unclear.

University of Washington Department of Laboratory Medicine, University of Washington
Classification: Likely benign for Hereditary cancer-predisposing syndrome. Last evaluated: 2023-03-23. Review status: criteria provided, single submitter. Criteria: Dines et al. (Genet Med. 2020). Collection method: curation. Allele origin: germline.
Comment: Missense variant in a coldspot region where missense variants are very unlikely to be pathogenic (PMID:31911673).

BRCA1 coldspot (exon 11 using historical exon numbering). Reclassification based on statistical prior probability

NM_007294.4(BRCA1):c.2560G>C (p.Ala854Pro)

Gene: BRCA1 (BRCA1 DNA repair associated; minus strand). Cytogenetic location: 17q21.31.
Variant type: single nucleotide variant.
Coding change: c.2560G>C on transcript NM_007294.4 (MANE Select); coding-DNA position 2560, G replaced by C.
Protein change: p.Ala854Pro; replaces alanine 854 with proline.
Molecular consequence: missense variant. On other transcripts: intron variant (137).
Genome position (GRCh38, 1-based): chr17:43,092,971, C>G on the plus strand (G>C on the coding strand, the complement: BRCA1 is on the minus strand). VCF-style: chr17-43092971-C-G. GRCh37 (hg19) VCF-style: chr17-41244988-C-G.
Other names: c.646+1773G>C (NM_001408452.1, NM_001408457.1, NM_001408458.1 and 11 more transcripts); c.520+1773G>C (NM_001408505.1, NM_001408503.1, NM_001408504.1); c.461-1939G>C (NM_001408507.1, NM_001408506.1); c.523+1773G>C (NM_001408497.1, NM_001408498.1, NM_001408501.1 and 3 more transcripts); c.787+1773G>C (NM_001407973.1, NM_001407980.1, NM_001407993.1 and 17 more transcripts); c.404-1939G>C (NM_001408511.1); c.2557G>C, p.Ala853Pro (NM_001407628.1, NM_001407629.1, NM_001407630.1 and 22 more transcripts); c.2560G>C, p.Ala854Pro (NM_001407639.1, NM_001407640.1, NM_001407641.1 and 30 more transcripts); and 41 more; short protein forms A742P, A766P, A726P, A743P, A765P, A784P, A786P, A787P.
Identifiers: ClinVar variation 1793112 (VCV001793112.5), dbSNP rs1597869238, ClinGen allele CA10596870.